The following is an entry in ClinVar:

ClinVar aggregate classification (germline): Uncertain significance (1 of 4 stars; one submission).

Submission:

Labcorp Genetics (formerly Invitae), Labcorp
Classification: Uncertain significance. Last evaluated: 2025-09-03. Review status: criteria provided, single submitter. Criteria: Invitae Variant Classification Sherloc (09022015). Collection method: clinical testing. Allele origin: germline.
Comment: This sequence change replaces serine, which is neutral and polar, with tyrosine, which is neutral and polar, at codon 331 of the KCNJ11 protein (p.Ser331Tyr). This variant is not present in population databases (gnomAD no frequency). This variant has not been reported in the literature in individuals affected with KCNJ11-related conditions. Invitae Evidence Modeling of protein sequence and biophysical properties (such as structural, functional, and spatial information, amino acid conservation, physicochemical variation, residue mobility, and thermodynamic stability) indicates that this missense variant is expected to disrupt KCNJ11 protein function with a positive predictive value of 95%. In summary, the available evidence is currently insufficient to determine the role of this variant in disease. Therefore, it has been classified as a Variant of Uncertain Significance.

NM_000525.4(KCNJ11):c.992C>A (p.Ser331Tyr)

Gene: KCNJ11 (potassium inwardly rectifying channel subfamily J member 11; minus strand). Cytogenetic location: 11p15.1.
Variant type: single nucleotide variant.
Coding change: c.992C>A on transcript NM_000525.4 (MANE Select); coding-DNA position 992, C replaced by A.
Protein change: p.Ser331Tyr; replaces serine 331 with tyrosine.
Molecular consequence: missense variant.
Genome position (GRCh38, 1-based): chr11:17,387,100, G>T on the plus strand (C>A on the coding strand, the complement: KCNJ11 is on the minus strand). VCF-style: chr11-17387100-G-T. GRCh37 (hg19) VCF-style: chr11-17408647-G-T.
Other names: c.731C>A, p.Ser244Tyr (NM_001166290.2, NM_001377296.1, NM_001377297.1); short protein forms S244Y, S331Y.
Identifiers: ClinVar variation 4800387 (VCV004800387.1).